The following is an entry in ClinVar:

NM_001395891.1(CLASP1):c.2487+1G>A

Gene: CLASP1 (cytoplasmic linker associated protein 1; minus strand). Cytogenetic location: 2q14.2.
Variant type: single nucleotide variant.
Coding change: c.2487+1G>A on transcript NM_001395891.1 (MANE Select); the canonical splice donor site of the intron after coding-DNA position 2487, G replaced by A.
Molecular consequence: splice donor variant.
Genome position (GRCh38, 1-based): chr2:121,410,865, C>T on the plus strand (G>A on the coding strand, the complement: CLASP1 is on the minus strand). VCF-style: chr2-121410865-C-T. GRCh37 (hg19) VCF-style: chr2-122168441-C-T.
Other names: c.2316+1G>A (NM_001142274.2); c.2424+1G>A (NM_015282.3, NM_001378003.1); c.2340+1G>A (NM_001378004.1, NM_001142273.2); c.2337+1G>A (NM_001207051.2, NM_001378005.1).
Identifiers: ClinVar variation 4991970 (VCV004991970.1).

ClinVar aggregate classification (germline): Uncertain significance (1 of 4 stars; one submission).

Conditions:
CLASP1-related disorder. Also called: CLASP1-related condition.

Submission:

PreventionGenetics, part of Exact Sciences
Classification: Uncertain significance for CLASP1-related condition. Last evaluated: 2026-02-23. Review status: criteria provided, single submitter. Criteria: ACMG Guidelines, 2015. Collection method: clinical testing. Allele origin: germline.
Comment: The CLASP1 c.2424+1G>A variant is predicted to disrupt the GT donor site and interfere with normal splicing. To our knowledge, this variant has not been reported in the literature or in a large population database (gnomAD), indicating this variant is rare. At this time, the clinical significance of this variant is uncertain due to the absence of conclusive functional and genetic evidence.